The following is an entry in ClinVar:

NM_000089.4(COL1A2):c.2152G>A (p.Gly718Ser)

Gene: COL1A2 (collagen type I alpha 2 chain; plus strand). Cytogenetic location: 7q21.3.
Variant type: single nucleotide variant.
Coding change: c.2152G>A on transcript NM_000089.4 (MANE Select); coding-DNA position 2152, G replaced by A.
Protein change: p.Gly718Ser; replaces glycine 718 with serine.
Molecular consequence: missense variant.
Genome position (GRCh38, 1-based): chr7:94,420,409, G>A. VCF-style: chr7-94420409-G-A. GRCh37 (hg19) VCF-style: chr7-94049721-G-A.
Other names: short protein forms G718S.
Identifiers: ClinVar variation 1314966 (VCV001314966.7), dbSNP rs72658168, ClinGen allele CA162935711.
Genomic context (GRCh38, chr7:94,420,409, plus strand): 5'-CTAGGATTGATAACACATTTTTAAATCCCTTCTCCCACCTAGGGTGAACGTGGTGAGGTC[G>A]GTCCTGCTGGCCCCAATGGATTTGCTGGTCCTGCTGTGAGTATCACATAATGAAGATTAA-3'
Protein context (NP_000080.2, residues 708-728): RGSPGERGEV[Gly718Ser]PAGPNGFAGP

ClinVar aggregate classification (germline): Pathogenic. Review status: criteria provided, multiple submitters, no conflicts (2 of 4 stars). 3 submissions from 3 submitters: Pathogenic (3). Last evaluated 2024-04-05.

Conditions:
COL1A2-related disorder. Also called: COL1A2-related condition; COL1A2-Related Disorders.
Ehlers-Danlos syndrome, classic type, 1 (EDSCL1). Also called: Ehlers-Danlos syndrome, type 1; Ehlers-Danlos Syndrome, Classic Type, COL5A1-Related; EDS I; EHLERS-DANLOS SYNDROME, GRAVIS TYPE; EHLERS-DANLOS SYNDROME, SEVERE CLASSIC TYPE. Identifiers: MedGen C0268335, MONDO:0019567, OMIM 130000.
Osteogenesis imperfecta type I (OI1). Also called: Lobstein's Disease; Lobstein disease; Classic Non-deforming Osteogenesis Imperfecta with Blue Sclerae; OI, TYPE I; OSTEOGENESIS IMPERFECTA TARDA; OSTEOGENESIS IMPERFECTA WITH BLUE SCLERAE. Identifiers: Orphanet 216796, Orphanet 666, MedGen C0023931, MONDO:0008146, OMIM 166200. Disease mechanism: loss of function.

Submissions (3):

Blueprint Genetics
Classification: Pathogenic for COL1A2-related disorders. Last evaluated: 2024-04-05. Review status: criteria provided, single submitter. Criteria: ACMG Guidelines, 2015. Collection method: clinical testing. Allele origin: germline. Affected: yes. Observed: 1 variant allele.

GeneDx
Classification: Pathogenic. Last evaluated: 2023-11-09. Review status: criteria provided, single submitter. Criteria: GeneDx Variant Classification Process June 2021. Collection method: clinical testing. Allele origin: germline. Affected: yes.
Comment: Not observed at significant frequency in large population cohorts (gnomAD); In silico analysis supports that this missense variant has a deleterious effect on protein structure/function; Also known as p.(G628S); Occurs in the triple helical domain and replaces a glycine in a canonical Gly-X-Y repeat; missense substitution of a canonical glycine residue is expected to disrupt normal protein folding and function, and this is an established mechanism of disease (Jovanovic et al., 2021); This variant is associated with the following publications: (PMID: 17078022, 34007986, 34958143)

Labcorp Genetics (formerly Invitae), Labcorp
Classification: Pathogenic for Osteogenesis imperfecta type I; Ehlers-Danlos syndrome, classic type, 1. Last evaluated: 2022-11-08. Review status: criteria provided, single submitter. Criteria: Invitae Variant Classification Sherloc (09022015). Collection method: clinical testing. Allele origin: germline.
Comment: This variant disrupts the triple helix domain of COL1A2. Glycine residues within the Gly-Xaa-Yaa repeats of the triple helix domain are required for the structure and stability of fibrillar collagens (PMID: 7695699, 8218237, 19344236). In COL1A2, variants affecting these glycine residues are significantly enriched in individuals with disease (PMID: 9016532, 17078022) compared to the general population (ExAC). For these reasons, this variant has been classified as Pathogenic. Advanced modeling of protein sequence and biophysical properties (such as structural, functional, and spatial information, amino acid conservation, physicochemical variation, residue mobility, and thermodynamic stability) performed at Invitae indicates that this missense variant is expected to disrupt COL1A2 protein function. This sequence change replaces glycine, which is neutral and non-polar, with serine, which is neutral and polar, at codon 718 of the COL1A2 protein (p.Gly718Ser). This variant is not present in population databases (gnomAD no frequency). This missense change has been observed in individual(s) with autosomal dominant osteogenesis imperfecta (PMID: 17078022). ClinVar contains an entry for this variant (Variation ID: 1314966).

Literature cited by the submitters: PubMed 7695699 (cited by Labcorp Genetics (formerly Invitae), Labcorp); PubMed 8218237 (cited by Labcorp Genetics (formerly Invitae), Labcorp); PubMed 19344236 (cited by Labcorp Genetics (formerly Invitae), Labcorp); PubMed 9016532 (cited by Labcorp Genetics (formerly Invitae), Labcorp); PubMed 17078022 (cited by Labcorp Genetics (formerly Invitae), Labcorp).